The following is an entry in ClinVar:

ClinVar aggregate classification (germline): Uncertain significance (1 of 4 stars; one submission).

Conditions:
Wiedemann-Steiner syndrome (WDSTS). Also called: Growth deficiency and mental retardation with facial dysmorphism. Identifiers: Orphanet 319182, MedGen C1854630, MONDO:0011518, OMIM 605130.

Submission:

Neuberg Centre For Genomic Medicine, NCGM
Classification: Uncertain significance for Wiedemann-Steiner syndrome. Review status: criteria provided, single submitter. Criteria: ACMG Guidelines, 2015. Collection method: clinical testing. Allele origin: germline. Inheritance: Autosomal dominant inheritance. Affected: yes.
Comment: The missense c.4361C>T(p.Pro1454Leu) variant in KMT2A gene has not been reported previously as a pathogenic variant nor as a benign variant, to our knowledge. The p.Pro1454Leu variant is novel (not in any individuals) in gnomAD Exomes and 1000 Genomes database. This variant has not been reported to the ClinVar database. The amino acid change p.Pro1454Leu in KMT2A is predicted as conserved by GERP++ and PhyloP across 100 vertebrates. The amino acid Pro at position 1454 is changed to a Leu changing protein sequence and it might alter its composition and physico-chemical properties. For these reasons, this variant has been classified as Variant of Uncertain Significance.

NM_001197104.2(KMT2A):c.4361C>T (p.Pro1454Leu)

Gene: KMT2A (lysine methyltransferase 2A; plus strand). Cytogenetic location: 11q23.3.
Variant type: single nucleotide variant.
Coding change: c.4361C>T on transcript NM_001197104.2 (MANE Select); coding-DNA position 4361, C replaced by T.
Protein change: p.Pro1454Leu; replaces proline 1454 with leucine.
Molecular consequence: missense variant.
Genome position (GRCh38, 1-based): chr11:118,488,642, C>T. VCF-style: chr11-118488642-C-T. GRCh37 (hg19) VCF-style: chr11-118359357-C-T.
Other names: c.4460C>T, p.Pro1487Leu (NM_001412597.1); c.4361C>T, p.Pro1454Leu (NM_005933.4); short protein forms P1454L, P1487L.
Identifiers: ClinVar variation 2664194 (VCV002664194.1), dbSNP rs2496903065, ClinGen allele CA382831863.